The following is an entry in ClinVar:

NM_198578.4(LRRK2):c.2758G>A (p.Ala920Thr)

Gene: LRRK2 (leucine rich repeat kinase 2; plus strand). Cytogenetic location: 12q12.
Variant type: single nucleotide variant.
Coding change: c.2758G>A on transcript NM_198578.4 (MANE Select); coding-DNA position 2758, G replaced by A.
Protein change: p.Ala920Thr; replaces alanine 920 with threonine.
Molecular consequence: missense variant.
Genome position (GRCh38, 1-based): chr12:40,293,613, G>A. VCF-style: chr12-40293613-G-A. GRCh37 (hg19) VCF-style: chr12-40687415-G-A.
Other names: short protein forms A920T.
Identifiers: ClinVar variation 881646 (VCV000881646.35), dbSNP rs201184634, ClinGen allele CA6513729.

ClinVar aggregate classification (germline): Conflicting classifications of pathogenicity. Review status: criteria provided, conflicting classifications (1 of 4 stars). 4 submissions from 4 submitters: Uncertain significance (3); Likely benign (1). Last evaluated 2025-01-01.

Conditions:
Autosomal dominant Parkinson disease 8. Also called: LRRK2-Related Parkinson Disease; Parkinson disease 8; Parkinson disease 8, susceptibility to. Identifiers: Orphanet 411602, MedGen C1846862, MONDO:0011764, OMIM 607060.

Allele frequency attached by ClinVar (database versions not stated): gnomAD exomes 0.00002 and 0.00003; TOPMed 0.00002; gnomAD 0.00003 and 0.00004; ExAC 0.00004; ESP Exome Variant Server 0.00008.
gnomAD v4.1: 38 of 1,611,650 alleles (0.0024%); highest among the groups gnomAD compares: Middle Eastern, 0.049%; no homozygotes.

Submissions (4):

CeGaT Center for Human Genetics Tuebingen
Classification: Likely benign. Last evaluated: 2025-01-01. Review status: criteria provided, single submitter. Criteria: CeGaT Center For Human Genetics Tuebingen Variant Classification Criteria Version 2. Collection method: clinical testing. Allele origin: germline. Affected: yes. Observed: 3 variant alleles.
Comment: LRRK2: BP4

Labcorp Genetics (formerly Invitae), Labcorp
Classification: Uncertain significance for Autosomal dominant Parkinson disease 8. Last evaluated: 2024-05-06. Review status: criteria provided, single submitter. Criteria: Invitae Variant Classification Sherloc (09022015). Collection method: clinical testing. Allele origin: germline.
Comment: This sequence change replaces alanine, which is neutral and non-polar, with threonine, which is neutral and polar, at codon 920 of the LRRK2 protein (p.Ala920Thr). This variant is present in population databases (rs201184634, gnomAD 0.004%). This variant has not been reported in the literature in individuals affected with LRRK2-related conditions. ClinVar contains an entry for this variant (Variation ID: 881646). Advanced modeling of protein sequence and biophysical properties (such as structural, functional, and spatial information, amino acid conservation, physicochemical variation, residue mobility, and thermodynamic stability) performed at Invitae indicates that this missense variant is not expected to disrupt LRRK2 protein function with a negative predictive value of 80%. In summary, the available evidence is currently insufficient to determine the role of this variant in disease. Therefore, it has been classified as a Variant of Uncertain Significance.

Fulgent Genetics
Classification: Uncertain significance for Autosomal dominant Parkinson disease 8. Last evaluated: 2021-10-28. Review status: criteria provided, single submitter. Criteria: ACMG Guidelines, 2015. Collection method: clinical testing. Allele origin: unknown.

Illumina Laboratory Services, Illumina
Classification: Uncertain significance for Autosomal dominant Parkinson disease 8. Last evaluated: 2018-01-13. Review status: criteria provided, single submitter. Criteria: ICSL Variant Classification Criteria 13 December 2019. Collection method: clinical testing. Allele origin: germline.